The following is an entry in ClinVar:

NM_000310.4(PPT1):c.*456A>G

Gene: PPT1 (palmitoyl-protein thioesterase 1; minus strand). Cytogenetic location: 1p34.2.
Variant type: single nucleotide variant.
Coding change: c.*456A>G on transcript NM_000310.4 (MANE Select); 456 bases downstream of the stop codon, A replaced by G.
Molecular consequence: 3 prime UTR variant.
Genome position (GRCh38, 1-based): chr1:40,073,605, T>C on the plus strand (A>G on the coding strand, the complement: PPT1 is on the minus strand). VCF-style: chr1-40073605-T-C. GRCh37 (hg19) VCF-style: chr1-40539277-T-C.
Other names: c.*456A>G (NM_001142604.2, NM_001363695.2).
Identifiers: ClinVar variation 297237 (VCV000297237.6), dbSNP rs76250039, ClinGen allele CA10609888.

ClinVar aggregate classification (germline): Benign/Likely benign. Review status: criteria provided, multiple submitters, no conflicts (2 of 4 stars). 2 submissions from 2 submitters: Benign (1); Likely benign (1). Last evaluated 2021-05-23.

Conditions:
Neuronal ceroid lipofuscinosis 1 (CLN1). Also called: CEROID LIPOFUSCINOSIS, NEURONAL, 1, VARIABLE AGE AT ONSET; PPT1-Related Neuronal Ceroid-Lipofuscinosis. Identifiers: Orphanet 228329, MedGen C1850451, MONDO:0009744, OMIM 256730.

Allele frequency attached by ClinVar (database versions not stated): gnomAD exomes 0.00251; gnomAD 0.01060 and 0.01107; TOPMed 0.01119; 1000 Genomes Project 0.01258; 1000 Genomes Project 30x 0.01312.

Submissions (2):

GeneDx
Classification: Likely benign. Last evaluated: 2021-05-23. Review status: criteria provided, single submitter. Criteria: GeneDx Variant Classification Process June 2021. Collection method: clinical testing. Allele origin: germline. Affected: yes.

Illumina Laboratory Services, Illumina
Classification: Benign for Neuronal ceroid lipofuscinosis 1. Last evaluated: 2018-01-12. Review status: criteria provided, single submitter. Criteria: ICSL Variant Classification Criteria 13 December 2019. Collection method: clinical testing. Allele origin: germline.
Comment: This variant was observed in the ICSL laboratory as part of a predisposition screen in an ostensibly healthy population. It had not been previously curated by ICSL or reported in the Human Gene Mutation Database (HGMD: prior to June 1st, 2018), and was therefore a candidate for classification through an automated scoring system. Utilizing variant allele frequency, disease prevalence and penetrance estimates, and inheritance mode, an automated score was calculated to assess if this variant is too frequent to cause the disease. Based on the score and internal cut-off values, a variant classified as benign is not then subjected to further curation. The score for this variant resulted in a classification of benign for this disease.